The following is an entry in ClinVar:

NM_005802.5(TOPORS):c.544A>G (p.Thr182Ala)

Gene: TOPORS (TOP1 binding arginine/serine rich protein, E3 ubiquitin ligase; minus strand). Cytogenetic location: 9p21.1.
Variant type: single nucleotide variant.
Coding change: c.544A>G on transcript NM_005802.5 (MANE Select); coding-DNA position 544, A replaced by G.
Protein change: p.Thr182Ala; replaces threonine 182 with alanine.
Molecular consequence: missense variant.
Genome position (GRCh38, 1-based): chr9:32,543,981, T>C on the plus strand (A>G on the coding strand, the complement: TOPORS is on the minus strand). VCF-style: chr9-32543981-T-C. GRCh37 (hg19) VCF-style: chr9-32543979-T-C.
Other names: c.349A>G, p.Thr117Ala (NM_001195622.2); short protein forms T182A, T117A.
Identifiers: ClinVar variation 2777697 (VCV002777697.4), dbSNP rs2489454674, ClinGen allele CA373172403.

ClinVar aggregate classification (germline): Uncertain significance. Review status: criteria provided, multiple submitters, no conflicts (2 of 4 stars). 2 submissions from 2 submitters: Uncertain significance (2). Last evaluated 2023-12-13.

Allele frequency attached by ClinVar (database versions not stated): gnomAD exomes below 0.00001.
gnomAD v4.1: 2 of 1,614,174 alleles (0.00012%); highest among the groups gnomAD compares: East Asian, 0.0022%; no homozygotes.

Submissions (2):

Labcorp Genetics (formerly Invitae), Labcorp
Classification: Uncertain significance. Last evaluated: 2023-12-13. Review status: criteria provided, single submitter. Criteria: Invitae Variant Classification Sherloc (09022015). Collection method: clinical testing. Allele origin: germline.
Comment: This sequence change replaces threonine, which is neutral and polar, with alanine, which is neutral and non-polar, at codon 182 of the TOPORS protein (p.Thr182Ala). This variant is not present in population databases (gnomAD no frequency). This variant has not been reported in the literature in individuals affected with TOPORS-related conditions. An algorithm developed to predict the effect of missense changes on protein structure and function (PolyPhen-2) suggests that this variant is likely to be disruptive. In summary, the available evidence is currently insufficient to determine the role of this variant in disease. Therefore, it has been classified as a Variant of Uncertain Significance.

Blueprint Genetics
Classification: Uncertain significance. Last evaluated: 2021-05-19. Review status: criteria provided, single submitter. Criteria: ACMG Guidelines, 2015. Collection method: clinical testing. Allele origin: germline.